The following is an entry in ClinVar:

NM_000135.4(FANCA):c.523-2A>G

Gene: FANCA (FA complementation group A; minus strand). Cytogenetic location: 16q24.3.
Variant type: single nucleotide variant.
Coding change: c.523-2A>G on transcript NM_000135.4 (MANE Select); the canonical splice acceptor site of the intron before coding-DNA position 523, A replaced by G.
Molecular consequence: splice acceptor variant.
Genome position (GRCh38, 1-based): chr16:89,808,369, T>C on the plus strand (A>G on the coding strand, the complement: FANCA is on the minus strand). VCF-style: chr16-89808369-T-C. GRCh37 (hg19) VCF-style: chr16-89874777-T-C.
Other names: c.523-2A>G (NM_001286167.3, NM_001018112.3); c.427-2A>G (NM_001351830.2).
Identifiers: ClinVar variation 555354 (VCV000555354.9), dbSNP rs746518509, ClinGen allele CA397479497.
Genomic context (GRCh38, chr16:89,808,369, plus strand): 5'-TGCAGGCTCACAATGCCTTGTACGTGAAGATGCCACACCGCTTCAAGCAACAAAGAACTC[T>C]GAAAAACAAAACAAAACAAACAAAAACAAAAACAAAAAAACCCCCAGCATTCTGAGTCCT-3'

ClinVar aggregate classification (germline): Likely pathogenic. Review status: criteria provided, single submitter (1 of 4 stars). 2 submissions from 2 submitters: Likely pathogenic (1). 1 of the submissions does not count toward it. Last evaluated 2023-06-11.

Conditions:
Fanconi anemia (FA). Also called: Fanconi's anemia. Identifiers: Orphanet 84, MedGen C0015625, MeSH D005199, MONDO:0019391.
Fanconi anemia complementation group A (FANCA). Also called: FANCA-Related Fanconi Anemia; Fanconi anemia, group A. Identifiers: Orphanet 84, MedGen C3469521, MONDO:0009215, OMIM 227650.

Allele frequency attached by ClinVar (database versions not stated): TOPMed below 0.00001.

Submissions (2):

Labcorp Genetics (formerly Invitae), Labcorp
Classification: Likely pathogenic for Fanconi anemia. Last evaluated: 2023-06-11. Review status: criteria provided, single submitter. Criteria: Invitae Variant Classification Sherloc (09022015). Collection method: clinical testing. Allele origin: germline.
Comment: In summary, the currently available evidence indicates that the variant is pathogenic, but additional data are needed to prove that conclusively. Therefore, this variant has been classified as Likely Pathogenic. Algorithms developed to predict the effect of sequence changes on RNA splicing suggest that this variant may disrupt the consensus splice site. ClinVar contains an entry for this variant (Variation ID: 555354). This variant has not been reported in the literature in individuals affected with FANCA-related conditions. This variant is not present in population databases (gnomAD no frequency). This sequence change affects an acceptor splice site in intron 5 of the FANCA gene. It is expected to disrupt RNA splicing. Variants that disrupt the donor or acceptor splice site typically lead to a loss of protein function (PMID: 16199547), and loss-of-function variants in FANCA are known to be pathogenic (PMID: 19367192).

Counsyl
Classification: Likely pathogenic for Fanconi anemia complementation group A. Last evaluated: 2017-12-01. Review status: no assertion criteria provided. Collection method: clinical testing. Allele origin: unknown. Not counted in ClinVar's aggregate classification.

Literature cited by the submitters: PubMed 16199547 (cited by Labcorp Genetics (formerly Invitae), Labcorp); PubMed 19367192 (cited by Labcorp Genetics (formerly Invitae), Labcorp).